The following is an entry in ClinVar:

NM_020779.4(WDR35):c.329T>G (p.Ile110Ser)

Gene: WDR35 (WD repeat domain 35; minus strand). Cytogenetic location: 2p24.1.
Variant type: single nucleotide variant.
Coding change: c.329T>G on transcript NM_020779.4 (MANE Select); coding-DNA position 329, T replaced by G.
Protein change: p.Ile110Ser; replaces isoleucine 110 with serine.
Molecular consequence: missense variant.
Genome position (GRCh38, 1-based): chr2:19,978,858, A>C on the plus strand (T>G on the coding strand, the complement: WDR35 is on the minus strand). VCF-style: chr2-19978858-A-C. GRCh37 (hg19) VCF-style: chr2-20178619-A-C.
Other names: c.329T>G, p.Ile110Ser (NM_001006657.2); short protein forms I110S.
Identifiers: ClinVar variation 2498802 (VCV002498802.28), dbSNP rs1227047966, ClinGen allele CA345947984.

ClinVar aggregate classification (germline): Uncertain significance (1 of 4 stars; one submission).

Allele frequency attached by ClinVar (database versions not stated): TOPMed below 0.00001; gnomAD 0.00001.
gnomAD v4.1: 2 of 1,613,674 alleles (0.00012%); highest among the groups gnomAD compares: African/African-American, 0.0013%; no homozygotes.

Submission:

CeGaT Center for Human Genetics Tuebingen
Classification: Uncertain significance. Last evaluated: 2023-03-01. Review status: criteria provided, single submitter. Criteria: CeGaT Center For Human Genetics Tuebingen Variant Classification Criteria Version 2. Collection method: clinical testing. Allele origin: germline. Affected: yes. Observed: 1 variant allele.
Comment: WDR35: PM2, PM3:Supporting